The following is an entry in ClinVar:

ClinVar aggregate classification (germline): Uncertain significance (1 of 4 stars; one submission).

Submission:

Women's Health and Genetics/Laboratory Corporation of America, LabCorp
Classification: Uncertain significance. Last evaluated: 2019-09-09. Review status: criteria provided, single submitter. Criteria: LabCorp Variant Classification Summary - May 2015. Collection method: clinical testing. Allele origin: germline.
Comment: Variant summary: RRAS c.345-2A>C is located in a canonical splice-site and is predicted to affect mRNA splicing resulting in a significantly altered protein due to either exon skipping, shortening, or inclusion of intronic material. Several computational tools predict a significant impact on normal splicing: Five predict the variant abolishes a 3' acceptor site. However, these predictions have yet to be confirmed by functional studies. The variant was absent in 250770 control chromosomes (gnomAD). The available data on variant occurrences in the general population are insufficient to allow any conclusion about variant significance. To our knowledge, no occurrence of c.345-2A>C in individuals affected with Noonan Syndrome and Related Conditions and no experimental evidence demonstrating its impact on protein function have been reported. No clinical diagnostic laboratories have submitted clinical-significance assessments for this variant to ClinVar after 2014. The common mechanism for disease is gain of function, therefore, the implications of a potential splicing impact cannot be established at this time. Based on the evidence outlined above, the variant was classified as uncertain significance.

NM_006270.5(RRAS):c.345-2A>C

Gene: RRAS (RAS related; minus strand). Cytogenetic location: 19q13.33.
Variant type: single nucleotide variant.
Coding change: c.345-2A>C on transcript NM_006270.5 (MANE Select); the canonical splice acceptor site of the intron before coding-DNA position 345, A replaced by C.
Molecular consequence: splice acceptor variant.
Genome position (GRCh38, 1-based): chr19:49,636,729, T>G on the plus strand (A>C on the coding strand, the complement: RRAS is on the minus strand). VCF-style: chr19-49636729-T-G. GRCh37 (hg19) VCF-style: chr19-50139986-T-G.
Identifiers: ClinVar variation 928935 (VCV000928935.1), dbSNP rs2080998112, ClinGen allele CA406846808.